The following is an entry in ClinVar:

ClinVar aggregate classification (germline): Pathogenic. Review status: criteria provided, multiple submitters, no conflicts (2 of 4 stars). 2 submissions from 2 submitters: Pathogenic (2). Last evaluated 2025-05-20.

Conditions:
Euthyroid goiter (MNG1). Also called: SIMPLE GOITER; Goiter, multinodular 1, with or without Sertoli-Leydig cell tumors; GOITER, NONTOXIC, WITH INTRATHYROIDAL CALCIFICATION; MULTINODULAR GOITER, ADOLESCENT. Identifiers: Orphanet 276399, MedGen C0302859, MONDO:0007681, OMIM 138800, HP:0009798.
Pleuropulmonary blastoma (PPB). Identifiers: Orphanet 64742, MedGen C1266144, MONDO:0011014, OMIM 601200, HP:0100528.
Global developmental delay - lung cysts - overgrowth - Wilms tumor syndrome. Also called: GLOW Syndrome; GLOBAL DEVELOPMENTAL DELAY, LUNG CYSTS, OVERGROWTH, AND WILMS TUMOR. Identifiers: Orphanet 404476, MedGen C4748924, MONDO:0018445, OMIM 618272.
Rhabdomyosarcoma, embryonal, 2 (RMSE2). Identifiers: MedGen C1867234, MONDO:0859046, OMIM 180295.
Hereditary cancer-predisposing syndrome. Also called: Neoplastic Syndromes, Hereditary; Tumor predisposition; Hereditary Cancer Syndrome; Hereditary neoplastic syndrome. Identifiers: Orphanet 140162, MedGen C0027672, MeSH D009386, MONDO:0015356.

Submissions (2):

Ambry Genetics
Classification: Pathogenic for Hereditary cancer-predisposing syndrome. Last evaluated: 2025-05-20. Review status: criteria provided, single submitter. Criteria: Ambry Variant Classification Scheme 2023. Collection method: clinical testing. Allele origin: germline.
Comment: The c.5446dupG pathogenic mutation, located in coding exon 24 of the DICER1 gene, results from a duplication of G at nucleotide position 5446, causing a translational frameshift with a predicted alternate stop codon (p.A1816Gfs*8). This variant is considered to be rare based on population cohorts in the Genome Aggregation Database (gnomAD). This alteration is expected to result in loss of function by premature protein truncation or nonsense-mediated mRNA decay. As such, this alteration is interpreted as a disease-causing mutation.

Department of Pathology and Laboratory Medicine, Sinai Health System
Classification: Pathogenic for Euthyroid goiter; Rhabdomyosarcoma, embryonal, 2; Pleuropulmonary blastoma; Global developmental delay - lung cysts - overgrowth - Wilms tumor syndrome. Last evaluated: 2021-10-14. Review status: criteria provided, single submitter. Criteria: ACMG Guidelines, 2015. Collection method: clinical testing. Allele origin: germline. Affected: yes.

NM_177438.3(DICER1):c.5446dup (p.Ala1816fs)

Gene: DICER1 (dicer 1, ribonuclease III; minus strand). Cytogenetic location: 14q32.13.
Variant type: Duplication.
Coding change: c.5446dup on transcript NM_177438.3 (MANE Select); coding-DNA position 5446, one base duplicated (G; older notation c.5446dupG).
Protein change: p.Ala1816fs; shifts the reading frame from alanine 1816.
Molecular consequence: frameshift variant. On other transcripts: non-coding transcript variant (6), intron variant (1).
Genome position (GRCh38, 1-based): chr14:95,091,284, C duplicated on the plus strand (G on the coding strand, the reverse complement: DICER1 is on the minus strand). VCF-style (leftmost placement, unchanged base first): chr14-95091283-G-GC. GRCh37 (hg19) VCF-style: chr14-95557620-G-GC.
Other names: c.5446dup, p.Ala1816fs (NM_001271282.3, NM_001291628.2, NM_001395677.1 and 7 more transcripts); c.5164dup, p.Ala1722fs (NM_001395686.1); c.5041dup, p.Ala1681fs (NM_001395687.1, NM_001395688.1, NM_001395689.1 and 1 more transcripts); c.4879dup, p.Ala1627fs (NM_001395691.1); c.3763dup, p.Ala1255fs (NM_001395697.1); c.5365-175dup (NM_001195573.1); c.5446dupG (NM_177438.2); short protein forms A1255fs, A1681fs, A1722fs, A1627fs, A1816fs.
Identifiers: ClinVar variation 3893094 (VCV003893094.2).
Genomic context (GRCh38, chr14:95,091,283, plus strand): 5'-GGATAGTACACCTGCCAGACTGTCTCCAGTGACATCCCACTATCCATGTAAATGGCACCA[G>GC]CAAGCGACTCAAAAATATCCCCCATGGCCTTTGGAACTTCAATATCCTCTTCTTTCTCTT-3'